The following is an entry in ClinVar:

NM_001903.5(CTNNA1):c.400G>A (p.Ala134Thr)

Gene: CTNNA1 (catenin alpha 1; plus strand). Cytogenetic location: 5q31.2.
Variant type: single nucleotide variant.
Coding change: c.400G>A on transcript NM_001903.5 (MANE Select); coding-DNA position 400, G replaced by A.
Protein change: p.Ala134Thr; replaces alanine 134 with threonine.
Molecular consequence: missense variant.
Genome position (GRCh38, 1-based): chr5:138,810,136, G>A. VCF-style: chr5-138810136-G-A. GRCh37 (hg19) VCF-style: chr5-138145825-G-A.
Other names: c.400G>A, p.Ala134Thr (NM_001290307.3, NM_001323982.2, NM_001323983.1 and 3 more transcripts); c.91G>A, p.Ala31Thr (NM_001290309.3); c.31G>A, p.Ala11Thr (NM_001290310.3); short protein forms A11T, A31T, A134T.
Identifiers: ClinVar variation 1737005 (VCV001737005.5), dbSNP rs2149727326, ClinGen allele CA361123250.

ClinVar aggregate classification (germline): Uncertain significance. Review status: criteria provided, multiple submitters, no conflicts (2 of 4 stars). 2 submissions from 2 submitters: Uncertain significance (2). Last evaluated 2025-02-25.

Conditions:
Hereditary cancer-predisposing syndrome. Also called: Neoplastic Syndromes, Hereditary; Tumor predisposition; Hereditary Cancer Syndrome; Hereditary neoplastic syndrome. Identifiers: Orphanet 140162, MedGen C0027672, MeSH D009386, MONDO:0015356.

Allele frequency attached by ClinVar (database versions not stated): gnomAD exomes below 0.00001.
gnomAD v4.1: 1 of 1,614,148 alleles (0.000062%); highest among the groups gnomAD compares: Non-Finnish European, 0.000085%; no homozygotes.

Submissions (2):

Ambry Genetics
Classification: Uncertain significance for Hereditary cancer-predisposing syndrome. Last evaluated: 2025-02-25. Review status: criteria provided, single submitter. Criteria: Ambry Variant Classification Scheme 2023. Collection method: clinical testing. Allele origin: germline.
Comment: The p.A134T variant (also known as c.400G>A), located in coding exon 3 of the CTNNA1 gene, results from a G to A substitution at nucleotide position 400. The alanine at codon 134 is replaced by threonine, an amino acid with similar properties. This amino acid position is conserved. In addition, the in silico prediction for this alteration is inconclusive. The evidence for this gene-disease relationship is limited; therefore, the clinical significance of this alteration is unclear.

Labcorp Genetics (formerly Invitae), Labcorp
Classification: Uncertain significance. Last evaluated: 2024-06-17. Review status: criteria provided, single submitter. Criteria: Invitae Variant Classification Sherloc (09022015). Collection method: clinical testing. Allele origin: germline.
Comment: This sequence change replaces alanine, which is neutral and non-polar, with threonine, which is neutral and polar, at codon 134 of the CTNNA1 protein (p.Ala134Thr). This variant is not present in population databases (gnomAD no frequency). This variant has not been reported in the literature in individuals affected with CTNNA1-related conditions. ClinVar contains an entry for this variant (Variation ID: 1737005). Advanced modeling of protein sequence and biophysical properties (such as structural, functional, and spatial information, amino acid conservation, physicochemical variation, residue mobility, and thermodynamic stability) performed at Invitae indicates that this missense variant is not expected to disrupt CTNNA1 protein function with a negative predictive value of 80%. In summary, the available evidence is currently insufficient to determine the role of this variant in disease. Therefore, it has been classified as a Variant of Uncertain Significance.